The following is an entry in ClinVar:

NM_173825.5(RABL3):c.474T>C (p.His158=)

Gene: RABL3 (RAB, member of RAS oncogene family like 3; minus strand). Cytogenetic location: 3q13.33.
Variant type: single nucleotide variant.
Coding change: c.474T>C on transcript NM_173825.5 (MANE Select); coding-DNA position 474, T replaced by C.
Protein change: p.His158=; no amino-acid change (histidine 158 retained).
Molecular consequence: synonymous variant. On other transcripts: non-coding transcript variant (1).
Genome position (GRCh38, 1-based): chr3:120,698,483, A>G on the plus strand (T>C on the coding strand, the complement: RABL3 is on the minus strand). VCF-style: chr3-120698483-A-G. GRCh37 (hg19) VCF-style: chr3-120417330-A-G.
Other names: c.474T>C, p.His158= (NM_001363964.1, NM_001363965.1).
Identifiers: ClinVar variation 3037588 (VCV003037588.18), dbSNP rs61758778, ClinGen allele CA2560515.

ClinVar aggregate classification (germline): Likely benign. Review status: criteria provided, single submitter (1 of 4 stars). 2 submissions from 2 submitters: Likely benign (1). 1 of the submissions does not count toward it. Last evaluated 2024-07-01.

Conditions:
RABL3-related disorder. Also called: RABL3-related condition.

Allele frequency attached by ClinVar (database versions not stated): 1000 Genomes Project 0.00140; 1000 Genomes Project 30x 0.00156; TOPMed 0.00406; ESP Exome Variant Server 0.00431; gnomAD 0.00593; ExAC 0.00610; gnomAD exomes 0.00859.

Submissions (2):

CeGaT Center for Human Genetics Tuebingen
Classification: Likely benign. Last evaluated: 2024-07-01. Review status: criteria provided, single submitter. Criteria: CeGaT Center For Human Genetics Tuebingen Variant Classification Criteria Version 2. Collection method: clinical testing. Allele origin: germline. Affected: yes. Observed: 1 variant allele.
Comment: RABL3: BP4, BP7, BS2

PreventionGenetics, part of Exact Sciences
Classification: Benign for RABL3-related condition. Last evaluated: 2019-11-19. Review status: no assertion criteria provided. Collection method: clinical testing. Allele origin: germline. Not counted in ClinVar's aggregate classification.
Comment: This variant is classified as benign based on ACMG/AMP sequence variant interpretation guidelines (Richards et al. 2015 PMID: 25741868, with internal and published modifications).